The following is an entry in ClinVar:

NM_000051.4(ATM):c.3322C>T (p.Leu1108=)

Gene: ATM (ATM serine/threonine kinase; plus strand). Cytogenetic location: 11q22.3.
Variant type: single nucleotide variant.
Coding change: c.3322C>T on transcript NM_000051.4 (MANE Select); coding-DNA position 3322, C replaced by T.
Protein change: p.Leu1108=; no amino-acid change (leucine 1108 retained).
Molecular consequence: synonymous variant.
Genome position (GRCh38, 1-based): chr11:108,279,528, C>T. VCF-style: chr11-108279528-C-T. GRCh37 (hg19) VCF-style: chr11-108150255-C-T.
Other names: c.3322C>T, p.Leu1108= (NM_001351834.2).
Identifiers: ClinVar variation 490525 (VCV000490525.6), dbSNP rs1555090147, ClinGen allele CA476672675.
Genomic context (GRCh38, chr11:108,279,528, plus strand): 5'-TTTGTTTGCTTGCTTGTTTTAAGATTGTTCCAGGACACGAAGGGAGATTCTTCCAGGTTA[C>T]TGAAAGCACTTCCTTTGAAGCTTCAGCAAACAGCTTTTGAAAATGCATACTTGAAAGCTC-3'
Protein context (NP_000042.3, residues 1098-1118): QDTKGDSSRL[Leu1108=]KALPLKLQQT

ClinVar aggregate classification (germline): Benign/Likely benign. Review status: criteria provided, multiple submitters, no conflicts (2 of 4 stars). 3 submissions from 3 submitters: Benign (1); Likely benign (2). Last evaluated 2024-05-14.

Conditions:
Familial cancer of breast. Also called: Hereditary breast cancer; BREAST CANCER, FAMILIAL; hereditary breast carcinoma. Identifiers: Orphanet 227535, MedGen C0346153, MONDO:0016419, OMIM 114480. Disease mechanism: loss of function.
Hereditary cancer-predisposing syndrome. Also called: Hereditary Cancer Syndrome; Neoplastic Syndromes, Hereditary; Tumor predisposition; Hereditary neoplastic syndrome. Identifiers: Orphanet 140162, MedGen C0027672, MeSH D009386, MONDO:0015356.

Allele frequency attached by ClinVar (database versions not stated): gnomAD exomes below 0.00001.
gnomAD v4.1: 2 of 1,613,466 alleles (0.00012%); highest among the groups gnomAD compares: Non-Finnish European, 0.00017%; no homozygotes.

Submissions (3):

Myriad Genetics, Inc.
Classification: Benign for Familial cancer of breast. Last evaluated: 2024-05-14. Review status: criteria provided, single submitter. Criteria: Myriad Autosomal Dominant, Autosomal Recessive and X-Linked Classification Criteria (2023). Collection method: clinical testing. Allele origin: unknown.
Comment: This variant is considered benign. This variant is a silent/synonymous amino acid change and it is not expected to impact splicing.

Ambry Genetics
Classification: Likely benign for Hereditary cancer-predisposing syndrome. Last evaluated: 2022-12-01. Review status: criteria provided, single submitter. Criteria: Ambry Variant Classification Scheme 2023. Collection method: clinical testing. Allele origin: germline.

Color Diagnostics, LLC DBA Color Health
Classification: Likely benign for Hereditary cancer-predisposing syndrome. Last evaluated: 2017-10-06. Review status: criteria provided, single submitter. Criteria: ACMG Guidelines, 2015. Collection method: clinical testing. Allele origin: germline.